The following is an entry in ClinVar:

NM_024753.5(TTC21B):c.319G>A (p.Gly107Arg)

Genes: TTC21B (tetratricopeptide repeat domain 21B; minus strand), TTC21B-AS1 (TTC21B antisense RNA 1; plus strand). Cytogenetic location: 2q24.3.
Variant type: single nucleotide variant.
Coding change: c.319G>A on transcript NM_024753.5 (MANE Select); coding-DNA position 319, G replaced by A.
Protein change: p.Gly107Arg; replaces glycine 107 with arginine.
Molecular consequence: missense variant.
Genome position (GRCh38, 1-based): chr2:165,945,634, C>T on the plus strand (G>A on the coding strand, the complement: TTC21B is on the minus strand). VCF-style: chr2-165945634-C-T. GRCh37 (hg19) VCF-style: chr2-166802144-C-T.
Other names: short protein forms G107R.
Identifiers: ClinVar variation 4982563 (VCV004982563.1).

ClinVar aggregate classification (germline): Uncertain significance (1 of 4 stars; one submission).

Conditions:
TTC21B-related disorder. Also called: TTC21B-related disorders; TTC21B-related condition.

gnomAD v4.1: 2 of 1,613,750 alleles (0.00012%); highest among the groups gnomAD compares: African/African-American, 0.0013%; no homozygotes.

Submission:

PreventionGenetics, part of Exact Sciences
Classification: Uncertain significance for TTC21B-related condition. Last evaluated: 2026-01-29. Review status: criteria provided, single submitter. Criteria: ACMG Guidelines, 2015. Collection method: clinical testing. Allele origin: germline.
Comment: The TTC21B c.319G>A variant is predicted to result in the amino acid substitution p.Gly107Arg. To our knowledge, this variant has not been reported in the literature. This variant is reported in 0.00088% of alleles in individuals of European (Non-Finnish) descent in gnomAD. At this time, the clinical significance of this variant is uncertain due to the absence of conclusive functional and genetic evidence.